The following is an entry in ClinVar:

NM_006941.4(SOX10):c.826G>A (p.Val276Met)

Genes: POLR2F (RNA polymerase II, I and III subunit F; plus strand), SOX10 (SRY-box transcription factor 10; minus strand). Cytogenetic location: 22q13.1.
Variant type: single nucleotide variant.
Coding change: c.826G>A on transcript NM_006941.4 (MANE Select); coding-DNA position 826, G replaced by A.
Protein change: p.Val276Met; replaces valine 276 with methionine.
Molecular consequence: missense variant. On other transcripts: intron variant (3).
Genome position (GRCh38, 1-based): chr22:37,974,070, C>T on the plus strand (G>A on the coding strand, the complement: SOX10 is on the minus strand). VCF-style: chr22-37974070-C-T. GRCh37 (hg19) VCF-style: chr22-38370077-C-T.
Other names: c.*38+1760C>T (NM_001363825.1); c.293+6900C>T (NM_001301130.2, NM_001301131.2); short protein forms V276M.
Identifiers: ClinVar variation 450359 (VCV000450359.8), dbSNP rs766175657, ClinGen allele CA10228576.

ClinVar aggregate classification (germline): Conflicting classifications of pathogenicity. Review status: criteria provided, conflicting classifications (1 of 4 stars). 2 submissions from 2 submitters: Uncertain significance (1); Benign (1). Last evaluated 2024-05-22.

Allele frequency attached by ClinVar (database versions not stated): gnomAD 0.00004 and 0.00003; ExAC 0.00002; gnomAD exomes 0.00002; TOPMed 0.00002.
gnomAD v4.1: 34 of 1,614,008 alleles (0.0021%); highest among the groups gnomAD compares: Admixed American, 0.012%; no homozygotes.

Submissions (2):

Labcorp Genetics (formerly Invitae), Labcorp
Classification: Benign. Last evaluated: 2024-05-22. Review status: criteria provided, single submitter. Criteria: Invitae Variant Classification Sherloc (09022015). Collection method: clinical testing. Allele origin: germline.

GeneDx
Classification: Uncertain significance. Last evaluated: 2017-07-18. Review status: criteria provided, single submitter. Criteria: GeneDx Variant Classification (06012015). Collection method: clinical testing. Allele origin: germline. Affected: yes.
Comment: The V276M variant in the SOX10 gene has not been reported previously as a pathogenic variant, nor as a benign variant, to our knowledge. The V276M variant is observed in 2/11,574 (0.017%) alleles from individuals of Latino background in the ExAC dataset (Lek et al., 2016). The V276M variant is a conservative amino acid substitution, which is not likely to impact secondary protein structure as these residues share similar properties. This substitution occurs at a position where amino acids with similar properties to Valine are tolerated across species. In silico analysis is inconsistent in its predictions as to whether or not the variant is damaging to the protein structure/function. We interpret V276M as a variant of uncertain significance.